The following is an entry in ClinVar:

NM_182961.4(SYNE1):c.22924G>A (p.Ala7642Thr)

Gene: SYNE1 (spectrin repeat containing nuclear envelope protein 1; minus strand). Cytogenetic location: 6q25.2.
Variant type: single nucleotide variant.
Coding change: c.22924G>A on transcript NM_182961.4 (MANE Select); coding-DNA position 22924, G replaced by A.
Protein change: p.Ala7642Thr; replaces alanine 7642 with threonine.
Molecular consequence: missense variant.
Genome position (GRCh38, 1-based): chr6:152,206,263, C>T on the plus strand (G>A on the coding strand, the complement: SYNE1 is on the minus strand). VCF-style: chr6-152206263-C-T. GRCh37 (hg19) VCF-style: chr6-152527398-C-T.
Other names: c.22711G>A, p.Ala7571Thr (NM_033071.5); c.22711G>A (NM_033071.3); short protein forms A7642T, A7571T.
Identifiers: ClinVar variation 1045146 (VCV001045146.7), dbSNP rs776115026, ClinGen allele CA4053750.
Genomic context (GRCh38, chr6:152,206,263, plus strand): 5'-CCAGCCGCATGCTGGCTGATTTCCATTTCTCTTGGATTTCAGCGAGTTCGGCCTGCAAGG[C>T]GGCCTCAGCGCCACTGTCCGCCGAGAGAAGGAGTTGCTTGCCAGCCTCCACAGTCAGGAT-3'
Protein context (NP_892006.3, residues 7632-7652): LLSADSGAEA[Ala7642Thr]LQAELAEIQE

ClinVar aggregate classification (germline): Uncertain significance. Review status: criteria provided, single submitter (1 of 4 stars). 2 submissions from 2 submitters: Uncertain significance (1). 1 of the submissions does not count toward it. Last evaluated 2022-08-22.

Conditions:
SYNE1-related disorder. Also called: SYNE1-related disorders; SYNE1-related disease; SYNE1-related condition.
Emery-Dreifuss muscular dystrophy 4, autosomal dominant (EDMD4). Also called: EMERY-DREIFUSS MUSCULAR DYSTROPHY 4 WITH VARIABLE FEATURES. Identifiers: Orphanet 261, MedGen C2751807, MONDO:0013071, OMIM 612998.
Autosomal recessive ataxia, Beauce type. Also called: Spinocerebellar ataxia, autosomal recessive 8; ATAXIA, RECESSIVE, OF BEAUCE; SYNE1 Deficiency; SYNE1-Related Autosomal Recessive Cerebellar Ataxia. Identifiers: Orphanet 88644, MedGen C1853116, MONDO:0012549, OMIM 610743.

Allele frequency attached by ClinVar (database versions not stated): ExAC 0.00002.
gnomAD v4.1: 16 of 1,613,802 alleles (0.00099%); highest among the groups gnomAD compares: African/African-American, 0.0093%; no homozygotes.

Submissions (2):

Labcorp Genetics (formerly Invitae), Labcorp
Classification: Uncertain significance for Emery-Dreifuss muscular dystrophy 4, autosomal dominant; Autosomal recessive ataxia, Beauce type. Last evaluated: 2022-08-22. Review status: criteria provided, single submitter. Criteria: Invitae Variant Classification Sherloc (09022015). Collection method: clinical testing. Allele origin: germline.
Comment: This sequence change replaces alanine, which is neutral and non-polar, with threonine, which is neutral and polar, at codon 7571 of the SYNE1 protein (p.Ala7571Thr). This variant is present in population databases (rs776115026, gnomAD 0.02%). This variant has not been reported in the literature in individuals affected with SYNE1-related conditions. ClinVar contains an entry for this variant (Variation ID: 1045146). Algorithms developed to predict the effect of missense changes on protein structure and function output the following: SIFT: "Tolerated"; PolyPhen-2: "Benign"; Align-GVGD: "Class C0". The threonine amino acid residue is found in multiple mammalian species, which suggests that this missense change does not adversely affect protein function. In summary, the available evidence is currently insufficient to determine the role of this variant in disease. Therefore, it has been classified as a Variant of Uncertain Significance.

PreventionGenetics, part of Exact Sciences
Classification: Uncertain significance for SYNE1-related condition. Last evaluated: 2024-04-02. Review status: no assertion criteria provided. Collection method: clinical testing. Allele origin: germline. Not counted in ClinVar's aggregate classification.
Comment: The SYNE1 c.22711G>A variant is predicted to result in the amino acid substitution p.Ala7571Thr. To our knowledge, this variant has not been reported in the literature. This variant is reported in 0.016% of alleles in individuals of African descent in gnomAD. At this time, the clinical significance of this variant is uncertain due to the absence of conclusive functional and genetic evidence.